The following is an entry in ClinVar:

NM_182895.5(SCARF2):c.68C>G (p.Pro23Arg)

Gene: SCARF2 (scavenger receptor class F member 2; minus strand). Cytogenetic location: 22q11.21.
Variant type: single nucleotide variant.
Coding change: c.68C>G on transcript NM_182895.5 (MANE Select); coding-DNA position 68, C replaced by G.
Protein change: p.Pro23Arg; replaces proline 23 with arginine.
Molecular consequence: missense variant.
Genome position (GRCh38, 1-based): chr22:20,437,687, G>C on the plus strand (C>G on the coding strand, the complement: SCARF2 is on the minus strand). VCF-style: chr22-20437687-G-C. GRCh37 (hg19) VCF-style: chr22-20791974-G-C.
Other names: c.68C>G, p.Pro23Arg (NM_153334.7); short protein forms P23R.
Identifiers: ClinVar variation 3158345 (VCV003158345.2), dbSNP rs768621399, ClinGen allele CA10112731.

ClinVar aggregate classification (germline): Uncertain significance. Review status: criteria provided, multiple submitters, no conflicts (2 of 4 stars). 2 submissions from 2 submitters: Uncertain significance (2). Last evaluated 2025-07-22.

Conditions:
Inborn genetic diseases. Identifiers: MedGen C0950123, MeSH D030342.

Allele frequency attached by ClinVar (database versions not stated): gnomAD 0.00004; TOPMed 0.00004.
gnomAD v4.1: 59 of 1,480,120 alleles (0.004%); highest among the groups gnomAD compares: Non-Finnish European, 0.0052%; no homozygotes.

Submissions (2):

Labcorp Genetics (formerly Invitae), Labcorp
Classification: Uncertain significance. Last evaluated: 2025-07-22. Review status: criteria provided, single submitter. Criteria: Invitae Variant Classification Sherloc (09022015). Collection method: clinical testing. Allele origin: germline.
Comment: This sequence change replaces proline, which is neutral and non-polar, with arginine, which is basic and polar, at codon 23 of the SCARF2 protein (p.Pro23Arg). This variant is present in population databases (rs768621399, gnomAD 0.007%). This variant has not been reported in the literature in individuals affected with SCARF2-related conditions. ClinVar contains an entry for this variant (Variation ID: 3158345). Experimental studies and prediction algorithms are not available or were not evaluated, and the functional significance of this variant is currently unknown. In summary, the available evidence is currently insufficient to determine the role of this variant in disease. Therefore, it has been classified as a Variant of Uncertain Significance.

Ambry Genetics
Classification: Uncertain significance for Inborn genetic diseases. Last evaluated: 2023-09-21. Review status: criteria provided, single submitter. Criteria: Ambry Variant Classification Scheme 2023. Collection method: clinical testing. Allele origin: germline.